The following is an entry in ClinVar:

NM_000051.4(ATM):c.6348-20_6348-5del

Genes: ATM (ATM serine/threonine kinase; plus strand), C11orf65 (chromosome 11 open reading frame 65; minus strand). Cytogenetic location: 11q22.3.
Variant type: Deletion.
Coding change: c.6348-20_6348-5del on transcript NM_000051.4 (MANE Select); 20 bases into the intron before coding-DNA position 6348 through 5 bases into the intron before coding-DNA position 6348, 16 bases deleted (TTCTTTGACTTATCTC).
Molecular consequence: intron variant.
Genome position (GRCh38, 1-based): chr11:108,319,934-108,319,949, TTCTTTGACTTATCTC deleted. VCF-style (leftmost placement, unchanged base first): chr11-108319933-TTTCTTTGACTTATCTC-T. GRCh37 (hg19) VCF-style: chr11-108190660-TTTCTTTGACTTATCTC-T.
Other names: c.6348-20_6348-5del (NM_001351834.2); c.641-10878_641-10863del (NM_001330368.2); c.*39-10878_*39-10863del (NM_001351110.2).
Identifiers: ClinVar variation 4754393 (VCV004754393.1).

ClinVar aggregate classification (germline): Uncertain significance (1 of 4 stars; one submission).

Conditions:
Ataxia-telangiectasia syndrome (AT). Also called: LOUIS-BAR SYNDROME; Cerebello-oculocutaneous telangiectasia; Immunodeficiency with ataxia telangiectasia; Ataxia-telangiectasia, complementation group D; AT, COMPLEMENTATION GROUP C; ATAXIA-TELANGIECTASIA, COMPLEMENTATION GROUP A. Identifiers: Orphanet 100, MedGen C0004135, MONDO:0008840, OMIM 208900.

Submission:

Labcorp Genetics (formerly Invitae), Labcorp
Classification: Uncertain significance for Ataxia-telangiectasia syndrome. Last evaluated: 2025-04-22. Review status: criteria provided, single submitter. Criteria: Invitae Variant Classification Sherloc (09022015). Collection method: clinical testing. Allele origin: germline.
Comment: This sequence change falls in intron 43 of the ATM gene. It does not directly change the encoded amino acid sequence of the ATM protein. This variant is not present in population databases (gnomAD no frequency). This variant has not been reported in the literature in individuals affected with ATM-related conditions. Experimental studies and prediction algorithms are not available or were not evaluated, and the effect of this variant on mRNA splicing is currently unknown. In summary, the available evidence is currently insufficient to determine the role of this variant in disease. Therefore, it has been classified as a Variant of Uncertain Significance.